The following is an entry in ClinVar:

ClinVar aggregate classification (germline): Uncertain significance. Review status: criteria provided, multiple submitters, no conflicts (2 of 4 stars). 2 submissions from 2 submitters: Uncertain significance (2). Last evaluated 2025-06-23.

Conditions:
Myofibrillar myopathy 5. Also called: FILAMINOPATHY, AUTOSOMAL DOMINANT; Filaminopathy (type). Identifiers: Orphanet 171445, MedGen C1836050, MONDO:0012289, OMIM 609524.
Hypertrophic cardiomyopathy 26. Also called: Cardiomyopathy, familial hypertrophic, 26. Identifiers: Orphanet 75249, MedGen C4310749, MONDO:0014883, OMIM 617047.
Distal myopathy with posterior leg and anterior hand involvement. Also called: WILLIAMS DISTAL MYOPATHY. Identifiers: Orphanet 63273, MedGen C3279722, MONDO:0013550, OMIM 614065.
Cardiovascular phenotype. Identifiers: MedGen CN230736.

Allele frequency attached by ClinVar (database versions not stated): gnomAD exomes below 0.00001; gnomAD 0.00001; TOPMed 0.00001.
gnomAD v4.1: 2 of 1,612,890 alleles (0.00012%); highest among the groups gnomAD compares: Admixed American, 0.0017%; no homozygotes.

Submissions (2):

Ambry Genetics
Classification: Uncertain significance for Cardiovascular phenotype. Last evaluated: 2025-06-23. Review status: criteria provided, single submitter. Criteria: Ambry Variant Classification Scheme 2023. Collection method: clinical testing. Allele origin: germline.
Comment: The p.E2204K variant (also known as c.6610G>A), located in coding exon 40 of the FLNC gene, results from a G to A substitution at nucleotide position 6610. The glutamic acid at codon 2204 is replaced by lysine, an amino acid with similar properties. This amino acid position is conserved. In addition, the in silico prediction for this alteration is inconclusive. Since supporting evidence is limited at this time, the clinical significance of this alteration remains unclear.

Labcorp Genetics (formerly Invitae), Labcorp
Classification: Uncertain significance for Distal myopathy with posterior leg and anterior hand involvement; Myofibrillar myopathy 5; Hypertrophic cardiomyopathy 26. Last evaluated: 2025-04-08. Review status: criteria provided, single submitter. Criteria: Invitae Variant Classification Sherloc (09022015). Collection method: clinical testing. Allele origin: germline.
Comment: This sequence change replaces glutamic acid, which is acidic and polar, with lysine, which is basic and polar, at codon 2204 of the FLNC protein (p.Glu2204Lys). This variant is not present in population databases (gnomAD no frequency). This variant has not been reported in the literature in individuals affected with FLNC-related conditions. ClinVar contains an entry for this variant (Variation ID: 1010463). An algorithm developed to predict the effect of missense changes on protein structure and function (PolyPhen-2) suggests that this variant is likely to be tolerated. In summary, the available evidence is currently insufficient to determine the role of this variant in disease. Therefore, it has been classified as a Variant of Uncertain Significance.

NM_001458.5(FLNC):c.6610G>A (p.Glu2204Lys)

Genes: FLNC (filamin C; plus strand), FLNC-AS1 (FLNC antisense RNA 1; minus strand). Cytogenetic location: 7q32.1.
Variant type: single nucleotide variant.
Coding change: c.6610G>A on transcript NM_001458.5 (MANE Select); coding-DNA position 6610, G replaced by A.
Protein change: p.Glu2204Lys; replaces glutamic acid 2204 with lysine.
Molecular consequence: missense variant.
Genome position (GRCh38, 1-based): chr7:128,854,099, G>A. VCF-style: chr7-128854099-G-A. GRCh37 (hg19) VCF-style: chr7-128494153-G-A.
Other names: c.6610G>A (NM_001458.4); c.6511G>A, p.Glu2171Lys (NM_001127487.2); short protein forms E2171K, E2204K.
Identifiers: ClinVar variation 1010463 (VCV001010463.11), dbSNP rs1476564683, ClinGen allele CA369212920.